The following is an entry in ClinVar:

ClinVar aggregate classification (germline): Likely pathogenic (1 of 4 stars; one submission).

Conditions:
Dilated cardiomyopathy 1G (CMD1G). Identifiers: Orphanet 154, MedGen C1858763, MONDO:0011400, OMIM 604145.
Hypertrophic cardiomyopathy 9. Also called: Familial hypertrophic cardiomyopathy 9. Identifiers: MedGen C1861065, MONDO:0013412, OMIM 613765.
Early-onset myopathy with fatal cardiomyopathy (CMYO5). Also called: Salih Myopathy; CONGENITAL MYOPATHY 5 WITH CARDIOMYOPATHY. Identifiers: Orphanet 289377, MedGen C2673677, MONDO:0012714, OMIM 611705. Disease mechanism: loss of function.
Tibial muscular dystrophy (TMD). Also called: Tibial muscular dystrophy, tardive; Udd Distal Myopathy – Tibial Muscular Dystrophy; UDD MYOPATHY. Identifiers: Orphanet 609, MedGen C1838244, MONDO:0010870, OMIM 600334.
Autosomal recessive limb-girdle muscular dystrophy type 2J (LGMDR10). Also called: MUSCULAR DYSTROPHY, LIMB-GIRDLE, AUTOSOMAL RECESSIVE 10; Limb-girdle muscular dystrophy, type 2J. Identifiers: Orphanet 140922, MedGen C1837342, MONDO:0012127, OMIM 608807.
Myopathy, myofibrillar, 9, with early respiratory failure (MFM9). Also called: EDSTROM MYOPATHY; Myopathy, distal, with early respiratory failure, autosomal dominant; Hereditary myopathy with early respiratory failure; MYOPATHY, PROXIMAL, WITH EARLY RESPIRATORY MUSCLE INVOLVEMENT. Identifiers: Orphanet 178464, Orphanet 34521, MedGen C1863599, MONDO:0011362, OMIM 603689.

Submission:

Juno Genomics, Hangzhou Juno Genomics, Inc
Classification: Likely pathogenic for Early-onset myopathy with fatal cardiomyopathy; Dilated cardiomyopathy 1G; Hypertrophic cardiomyopathy 9; Autosomal recessive limb-girdle muscular dystrophy type 2J; Myopathy, myofibrillar, 9, with early respiratory failure; Tibial muscular dystrophy. Review status: criteria provided, single submitter. Criteria: ACMG Guidelines, 2015. Collection method: clinical testing. Allele origin: germline.
Comment: Absent from controls (or at extremely low frequency if recessive) in Genome Aggregation Database.;Null variant in a gene where loss of function (LOF) is a known mechanism of disease.

NM_001267550.2(TTN):c.103800G>A (p.Trp34600Ter)

Genes: TTN (titin; minus strand), TTN-AS1 (TTN antisense RNA 1; plus strand). Cytogenetic location: 2q31.2.
Variant type: single nucleotide variant.
Coding change: c.103800G>A on transcript NM_001267550.2 (MANE Select); coding-DNA position 103800, G replaced by A.
Protein change: p.Trp34600Ter; replaces tryptophan 34600 with a stop codon.
Molecular consequence: nonsense.
Genome position (GRCh38, 1-based): chr2:178,532,815, C>T on the plus strand (G>A on the coding strand, the complement: TTN is on the minus strand). VCF-style: chr2-178532815-C-T. GRCh37 (hg19) VCF-style: chr2-179397542-C-T.
Other names: c.98877G>A, p.Trp32959Ter (NM_001256850.1); c.76605G>A, p.Trp25535Ter (NM_003319.4); c.96096G>A, p.Trp32032Ter (NM_133378.4); c.76980G>A, p.Trp25660Ter (NM_133432.3); c.77181G>A, p.Trp25727Ter (NM_133437.4); short protein forms W25535*, W25660*, W25727*, W32032*, W32959*, W34600*.
Identifiers: ClinVar variation 3382663 (VCV003382663.3).
Genomic context (GRCh38, chr2:178,532,815, plus strand): 5'-ACGCCATTTAGGTCTGTATTGATCTGTAATGCGTGGAAGAGGCATCACATAGAACTGTTC[C>T]CATCTTGAAAGGCGGATGCGCTTGGGTCGTTTCTGTACAACTCTGTCAAGTTTCCCAGGC-3'